The following is an entry in ClinVar:

NM_013382.7(POMT2):c.1451T>C (p.Val484Ala)

Gene: POMT2 (protein O-mannosyltransferase 2; minus strand). Cytogenetic location: 14q24.3.
Variant type: single nucleotide variant.
Coding change: c.1451T>C on transcript NM_013382.7 (MANE Select); coding-DNA position 1451, T replaced by C.
Protein change: p.Val484Ala; replaces valine 484 with alanine.
Molecular consequence: missense variant.
Genome position (GRCh38, 1-based): chr14:77,285,514, A>G on the plus strand (T>C on the coding strand, the complement: POMT2 is on the minus strand). VCF-style: chr14-77285514-A-G. GRCh37 (hg19) VCF-style: chr14-77751857-A-G.
Other names: c.1451T>C (NM_013382.5); short protein forms V484A.
Identifiers: ClinVar variation 1043567 (VCV001043567.8), dbSNP rs761917543, ClinGen allele CA263823524.

ClinVar aggregate classification (germline): Uncertain significance. Review status: criteria provided, multiple submitters, no conflicts (2 of 4 stars). 2 submissions from 2 submitters: Uncertain significance (2). Last evaluated 2022-08-21.

Conditions:
Muscular dystrophy-dystroglycanopathy (congenital with brain and eye anomalies), type A2. Also called: MUSCULAR DYSTROPHY-DYSTROGLYCANOPATHY (CONGENITAL WITH BRAIN AND EYE ANOMALIES), TYPE A, 2; WALKER-WARBURG SYNDROME OR MUSCLE-EYE-BRAIN DISEASE, POMT2-RELATED. Identifiers: Orphanet 588, Orphanet 899, MedGen C3150411, MONDO:0013154, OMIM 613150.
Muscular dystrophy-dystroglycanopathy (congenital with impaired intellectual development), type B, 2. Also called: MUSCULAR DYSTROPHY, CONGENITAL, POMT2-RELATED; Muscular dystrophy-dystroglycanopathy (congenital with intellectual disability), type B2. Identifiers: MedGen C3150416, MONDO:0013160, OMIM 613156.
Autosomal recessive limb-girdle muscular dystrophy type 2N. Also called: Muscular dystrophy-dystroglycanopathy (limb-girdle), type C, 2; MUSCULAR DYSTROPHY-DYSTROGLYCANOPATHY, LIMB-GIRDLE, POMT2-RELATED. Identifiers: Orphanet 206559, MedGen C3150418, MONDO:0013162, OMIM 613158.

Allele frequency attached by ClinVar (database versions not stated): gnomAD 0.00001; gnomAD exomes 0.00004 and below 0.00001.
gnomAD v4.1: 54 of 1,614,198 alleles (0.0033%); highest among the groups gnomAD compares: Non-Finnish European, 0.0044%; no homozygotes.

Submissions (2):

Labcorp Genetics (formerly Invitae), Labcorp
Classification: Uncertain significance for Muscular dystrophy-dystroglycanopathy (congenital with impaired intellectual development), type B, 2; Muscular dystrophy-dystroglycanopathy (congenital with brain and eye anomalies), type A2; Autosomal recessive limb-girdle muscular dystrophy type 2N. Last evaluated: 2022-08-21. Review status: criteria provided, single submitter. Criteria: Invitae Variant Classification Sherloc (09022015). Collection method: clinical testing. Allele origin: germline.
Comment: This sequence change replaces valine, which is neutral and non-polar, with alanine, which is neutral and non-polar, at codon 484 of the POMT2 protein (p.Val484Ala). This variant is present in population databases (rs761917543, gnomAD 0.0009%). This variant has not been reported in the literature in individuals affected with POMT2-related conditions. ClinVar contains an entry for this variant (Variation ID: 1043567). Algorithms developed to predict the effect of missense changes on protein structure and function (SIFT, PolyPhen-2, Align-GVGD) all suggest that this variant is likely to be tolerated. In summary, the available evidence is currently insufficient to determine the role of this variant in disease. Therefore, it has been classified as a Variant of Uncertain Significance.

Revvity Omics, Revvity
Classification: Uncertain significance. Last evaluated: 2019-07-12. Review status: criteria provided, single submitter. Criteria: ACMG Guidelines, 2015. Collection method: clinical testing. Allele origin: germline.